The following is an entry in ClinVar:

NM_000260.4(MYO7A):c.807_808del (p.Lys269fs)

Gene: MYO7A (myosin VIIA; plus strand). Cytogenetic location: 11q13.5.
Variant type: Deletion.
Coding change: c.807_808del on transcript NM_000260.4 (MANE Select); coding-DNA positions 807 to 808, 2 bases deleted (GC; older notation c.807_808delGC).
Protein change: p.Lys269fs; shifts the reading frame from lysine 269.
Molecular consequence: frameshift variant.
Genome position (GRCh38, 1-based): chr11:77,157,350-77,157,351, GC deleted. VCF-style (leftmost placement, unchanged base first): chr11-77157349-AGC-A. GRCh37 (hg19) VCF-style: chr11-76868395-AGC-A.
Other names: c.807_808del, p.Lys269fs (NM_001127180.2); c.774_775del, p.Lys258fs (NM_001369365.1); short protein forms K258fs, K269fs.
Identifiers: ClinVar variation 2026692 (VCV002026692.4), dbSNP rs2496764137, ClinGen allele CA2580084938.

ClinVar aggregate classification (germline): Pathogenic (1 of 4 stars; one submission).

Submission:

Labcorp Genetics (formerly Invitae), Labcorp
Classification: Pathogenic. Last evaluated: 2022-08-23. Review status: criteria provided, single submitter. Criteria: Invitae Variant Classification Sherloc (09022015). Collection method: clinical testing. Allele origin: germline.
Comment: For these reasons, this variant has been classified as Pathogenic. This variant has not been reported in the literature in individuals affected with MYO7A-related conditions. This variant is not present in population databases (gnomAD no frequency). This sequence change creates a premature translational stop signal (p.Lys269Asnfs*8) in the MYO7A gene. It is expected to result in an absent or disrupted protein product. Loss-of-function variants in MYO7A are known to be pathogenic (PMID: 8900236, 25404053).

Literature cited by the submitters: PubMed 8900236; PubMed 25404053.